The following is an entry in ClinVar:

NC_000016.10:g.(89778851_89778942)_(89779004_89779868)del

Gene: FANCA (FA complementation group A; minus strand). Cytogenetic location: 16q24.3.
Variant type: Deletion.
Identifiers: ClinVar variation 974023 (VCV000974023.1).

ClinVar aggregate classification (germline): Uncertain significance (0 of 4 stars; one submission).

Conditions:
Fanconi anemia complementation group A (FANCA). Also called: Fanconi anemia, group A; FANCA-Related Fanconi Anemia. Identifiers: Orphanet 84, MedGen C3469521, MONDO:0009215, OMIM 227650.

Submission:

Leiden Open Variation Database
Classification: Uncertain significance for Fanconi anemia complementation group A. Last evaluated: 2020-02-28. Review status: no assertion criteria provided. Collection method: curation. Allele origin: germline. Affected: yes.
Comment: Curator: Arleen D. Auerbach. Submitter to LOVD: Arleen D. Auerbach.